The following is an entry in ClinVar:

ClinVar aggregate classification (germline): Uncertain significance. Review status: criteria provided, multiple submitters, no conflicts (2 of 4 stars). 2 submissions from 2 submitters: Uncertain significance (2). Last evaluated 2025-06-03.

Conditions:
Lymphoproliferative syndrome 1 (LPFS1). Identifiers: Orphanet 238505, Orphanet 538963, MedGen C3552634, MONDO:0013081, OMIM 613011.
Inborn genetic diseases. Identifiers: MedGen C0950123, MeSH D030342.

Allele frequency attached by ClinVar (database versions not stated): gnomAD 0.00002 and 0.00004; gnomAD exomes 0.00005; TOPMed 0.00005; ExAC 0.00008.

Submissions (2):

Labcorp Genetics (formerly Invitae), Labcorp
Classification: Uncertain significance for Lymphoproliferative syndrome 1. Last evaluated: 2025-06-03. Review status: criteria provided, single submitter. Criteria: Invitae Variant Classification Sherloc (09022015). Collection method: clinical testing. Allele origin: germline.
Comment: This sequence change replaces threonine, which is neutral and polar, with methionine, which is neutral and non-polar, at codon 50 of the ITK protein (p.Thr50Met). This variant is present in population databases (rs774040719, gnomAD 0.02%). This variant has not been reported in the literature in individuals affected with ITK-related conditions. ClinVar contains an entry for this variant (Variation ID: 861656). Invitae Evidence Modeling of protein sequence and biophysical properties (such as structural, functional, and spatial information, amino acid conservation, physicochemical variation, residue mobility, and thermodynamic stability) indicates that this missense variant is not expected to disrupt ITK protein function with a negative predictive value of 95%. In summary, the available evidence is currently insufficient to determine the role of this variant in disease. Therefore, it has been classified as a Variant of Uncertain Significance.

Ambry Genetics
Classification: Uncertain significance for Inborn genetic diseases. Last evaluated: 2025-04-14. Review status: criteria provided, single submitter. Criteria: Ambry Variant Classification Scheme 2023. Collection method: clinical testing. Allele origin: germline.

NM_005546.4(ITK):c.149C>T (p.Thr50Met)

Gene: ITK (IL2 inducible T cell kinase; plus strand). Cytogenetic location: 5q33.3.
Variant type: single nucleotide variant.
Coding change: c.149C>T on transcript NM_005546.4 (MANE Select); coding-DNA position 149, C replaced by T.
Protein change: p.Thr50Met; replaces threonine 50 with methionine.
Molecular consequence: missense variant.
Genome position (GRCh38, 1-based): chr5:157,208,899, C>T. VCF-style: chr5-157208899-C-T. GRCh37 (hg19) VCF-style: chr5-156635910-C-T.
Other names: short protein forms T50M.
Identifiers: ClinVar variation 861656 (VCV000861656.8), dbSNP rs774040719, ClinGen allele CA3532646.
Genomic context (GRCh38, chr5:157,208,899, plus strand): 5'-AAATATTGTCTTCTTTCTTACATGAATGGGATGTTCTTCTCTCCCCACAGAAGAAGCGCA[C>T]GCTGAAGGGGTCCATTGAGCTCTCCCGAATCAAATGTGTTGAGATTGTGAAAAGTGACAT-3'
Protein context (NP_005537.3, residues 40-60): YFEDRHGKKR[Thr50Met]LKGSIELSRI